The following is an entry in ClinVar:

NM_058195.4(CDKN2A):c.2T>A (p.Met1Lys)

Gene: CDKN2A (cyclin dependent kinase inhibitor 2A; minus strand). Cytogenetic location: 9p21.3.
Variant type: single nucleotide variant.
Coding change: c.2T>A on transcript NM_058195.4 (MANE Plus Clinical); coding-DNA position 2, T replaced by A.
Protein change: p.Met1Lys; changes the start codon (methionine 1).
Molecular consequence: missense variant, initiator codon variant. On other transcripts: intron variant (1).
Genome position (GRCh38, 1-based): chr9:21,994,330, A>T on the plus strand (T>A on the coding strand, the complement: CDKN2A is on the minus strand). VCF-style: chr9-21994330-A-T. GRCh37 (hg19) VCF-style: chr9-21994329-A-T.
Other names: c.-4+491T>A (NM_001363763.2); short protein forms M1K.
Identifiers: ClinVar variation 4856720 (VCV004856720.1).
Genomic context (GRCh38, chr9:21,994,330, plus strand): 5'-CTCACTCGCGGCGGGCCGCACGCGCGCCGAATCCGGAGGGTCACCAAGAACCTGCGCACC[A>T]TGTTCTCGCCGCCTCCAGGGCCGAGCTCGGCAGCCGCTGCGCCGCCCTTTGGCACCAGAG-3'
Protein context (NP_478102.2, residues 1-11): [Met1Lys]VRRFLVTLRI

ClinVar aggregate classification (germline): Likely pathogenic (1 of 4 stars; one submission).

Conditions:
Melanoma-pancreatic cancer syndrome. Identifiers: Orphanet 404560, MedGen C1838547, MONDO:0011713, OMIM 606719. Disease mechanism: loss of function.

gnomAD v4.1: 1 of 1,606,228 alleles (0.000062%); highest among the groups gnomAD compares: Non-Finnish European, 0.000085%; no homozygotes.

Submission:

Myriad Genetics, Inc.
Classification: Likely pathogenic for Melanoma-pancreatic cancer syndrome. Last evaluated: 2026-01-21. Review status: criteria provided, single submitter. Criteria: Myriad Autosomal Dominant, Autosomal Recessive and X-Linked Classification Criteria (2023). Collection method: clinical testing. Allele origin: unknown.
Comment: This variant is considered likely pathogenic. This variant is located within the gene translation start codon (p.Met1?) and is predicted to result in abnormal protein translation.